The following is an entry in ClinVar:

NM_000256.3(MYBPC3):c.2965dup (p.Glu989fs)

Gene: MYBPC3 (myosin binding protein C3; minus strand). Cytogenetic location: 11p11.2.
Variant type: Duplication.
Coding change: c.2965dup on transcript NM_000256.3 (MANE Select); coding-DNA position 2965, one base duplicated (G; older notation c.2965dupG).
Protein change: p.Glu989fs; shifts the reading frame from glutamic acid 989.
Molecular consequence: frameshift variant.
Genome position (GRCh38, 1-based): chr11:47,333,951, C duplicated on the plus strand (G on the coding strand, the reverse complement: MYBPC3 is on the minus strand); the first of 4 consecutive C bases (chr11:47,333,951-47,333,954); duplicating any one gives the same sequence. VCF-style (leftmost placement, unchanged base first): chr11-47333950-T-TC. GRCh37 (hg19) VCF-style: chr11-47355501-T-TC.
Other names: c.2965dupG (NM_000256.3); short protein forms E989fs.
Identifiers: ClinVar variation 817167 (VCV000817167.2), dbSNP rs1595842017, ClinGen allele CA915948132.

ClinVar aggregate classification (germline): Likely pathogenic. Review status: criteria provided, multiple submitters, no conflicts (2 of 4 stars). 2 submissions from 2 submitters: Likely pathogenic (2). Last evaluated 2025-04-21.

Submissions (2):

ARUP Laboratories, Molecular Genetics and Genomics, ARUP Laboratories
Classification: Likely pathogenic. Last evaluated: 2025-04-21. Review status: criteria provided, single submitter. Criteria: ARUP Molecular Germline Variant Investigation Process 2024. Collection method: clinical testing. Allele origin: germline.
Comment: The MYBPC3 c.2965dup; p.Glu989GlyfsTer62 variant (rs1595842017), to our knowledge, is not reported in the medical literature but is reported in ClinVar (Variation ID: 817167). This variant is absent from the Genome Aggregation Database (v2.1.1), indicating it is not a common polymorphism. This variant causes a frameshift by duplicating a single nucleotide, so it is predicted to result in a truncated protein or mRNA subject to nonsense-mediated decay. Additionally, several downstream truncating variants have been described in individuals with hypertrophic cardiomyopathy and are considered pathogenic (Hathaway 2021). Based on available information, this variant is considered to be likely pathogenic. References: Hathaway J et al. Diagnostic yield of genetic testing in a heterogeneous cohort of 1376 HCM patients. BMC Cardiovasc Disord. 2021 Mar 5;21(1):126. PMID: 33673806.

GeneDx
Classification: Likely pathogenic. Last evaluated: 2018-07-30. Review status: criteria provided, single submitter. Criteria: GeneDx Variant Classification (06012015). Collection method: clinical testing. Allele origin: germline. Affected: yes.
Comment: Although the c.2965dupG likely pathogenic variant in the MYBPC3 gene has not been reported to our knowledge, this variant causes a shift in reading frame starting at codon glutamic acid 989, changing it to a glycine, and creating a premature stop codon at position 62 of the new reading frame, denoted p.Glu989GlyfsX62. This likely pathogenic variant is expected to result in either an abnormal, truncated protein product or loss of protein from this allele through nonsense-mediated mRNA decay. Other frameshift variants in the MYBPC3 gene have been reported in Human Gene Mutation Database in association with cardiomyopathy (Stenson et al., 2014), indicating that loss of function is a mechanism of disease for this gene. Furthermore, the c.2965dupG variant has not been observed in large population cohorts (Lek et al., 2016). In summary, c.2965dupG in the MYBPC3 gene is interpreted as a likely pathogenic variant.